The following is an entry in ClinVar:

NM_001244008.2(KIF1A):c.1000G>A (p.Ala334Thr)

Gene: KIF1A (kinesin family member 1A; minus strand). Cytogenetic location: 2q37.3.
Variant type: single nucleotide variant.
Coding change: c.1000G>A on transcript NM_001244008.2 (MANE Select); coding-DNA position 1000, G replaced by A.
Protein change: p.Ala334Thr; replaces alanine 334 with threonine.
Molecular consequence: missense variant.
Genome position (GRCh38, 1-based): chr2:240,774,220, C>T on the plus strand (G>A on the coding strand, the complement: KIF1A is on the minus strand). VCF-style: chr2-240774220-C-T. GRCh37 (hg19) VCF-style: chr2-241713637-C-T.
Other names: c.1000G>A, p.Ala334Thr (NM_001379633.1, NM_001379634.1, NM_001379635.1 and 21 more transcripts); short protein forms A334T.
Identifiers: ClinVar variation 2576565 (VCV002576565.2), dbSNP rs2537957328, ClinGen allele CA351296782.

ClinVar aggregate classification (germline): Likely pathogenic (1 of 4 stars; one submission).

Conditions:
Hereditary spastic paraplegia 30. Identifiers: Orphanet 101010, MedGen C5235139, MONDO:0012476.

Submission:

Institute of Human Genetics, University of Leipzig Medical Center
Classification: Likely pathogenic for Spastic paraplegia 30A, autosomal dominant. Last evaluated: 2023-05-24. Review status: criteria provided, single submitter. Criteria: ACMG Guidelines, 2015. Collection method: clinical testing. Allele origin: unknown. Inheritance: Autosomal dominant inheritance. Affected: yes.
Comment: Criteria applied: PM1,PM5,PM2_SUP,PP3